The following is an entry in ClinVar:

NM_000245.4(MET):c.1735A>G (p.Thr579Ala)

Gene: MET (MET proto-oncogene, receptor tyrosine kinase; plus strand). Cytogenetic location: 7q31.2.
Variant type: single nucleotide variant.
Coding change: c.1735A>G on transcript NM_000245.4 (MANE Select); coding-DNA position 1735, A replaced by G.
Protein change: p.Thr579Ala; replaces threonine 579 with alanine.
Molecular consequence: missense variant.
Genome position (GRCh38, 1-based): chr7:116,755,388, A>G. VCF-style: chr7-116755388-A-G. GRCh37 (hg19) VCF-style: chr7-116395442-A-G.
Other names: c.1735A>G, p.Thr579Ala (NM_001127500.3, NM_001324401.3); c.445A>G, p.Thr149Ala (NM_001324402.2); short protein forms T579A, T149A.
Identifiers: ClinVar variation 1779053 (VCV001779053.9), dbSNP rs2116909126, ClinGen allele CA368977673.

ClinVar aggregate classification (germline): Uncertain significance. Review status: criteria provided, multiple submitters, no conflicts (2 of 4 stars). 2 submissions from 2 submitters: Uncertain significance (2). Last evaluated 2026-07-30.

Conditions:
Renal cell carcinoma. Identifiers: Orphanet 217071, MedGen C0007134, MeSH D002292, MONDO:0005086, HP:0005584.
Hereditary cancer-predisposing syndrome. Also called: Hereditary Cancer Syndrome; Hereditary neoplastic syndrome; Neoplastic Syndromes, Hereditary; Tumor predisposition. Identifiers: Orphanet 140162, MedGen C0027672, MeSH D009386, MONDO:0015356.

Allele frequency attached by ClinVar (database versions not stated): gnomAD exomes below 0.00001.

Submissions (2):

Ambry Genetics
Classification: Uncertain significance for Hereditary cancer-predisposing syndrome. Last evaluated: 2026-07-30. Review status: criteria provided, single submitter. Criteria: Ambry Variant Classification Scheme 2023. Collection method: clinical testing. Allele origin: germline.
Comment: The p.T579A variant (also known as c.1735A>G), located in coding exon 5 of the MET gene, results from an A to G substitution at nucleotide position 1735. The threonine at codon 579 is replaced by alanine, an amino acid with similar properties. This amino acid position is highly conserved in available vertebrate species. In addition, this alteration is predicted to be deleterious by in silico analysis. Based on the available evidence, the clinical significance of this variant remains unclear.

Labcorp Genetics (formerly Invitae), Labcorp
Classification: Uncertain significance for Renal cell carcinoma. Last evaluated: 2024-03-25. Review status: criteria provided, single submitter. Criteria: Invitae Variant Classification Sherloc (09022015). Collection method: clinical testing. Allele origin: germline.
Comment: This sequence change replaces threonine, which is neutral and polar, with alanine, which is neutral and non-polar, at codon 579 of the MET protein (p.Thr579Ala). This variant is not present in population databases (gnomAD no frequency). This variant has not been reported in the literature in individuals affected with MET-related conditions. ClinVar contains an entry for this variant (Variation ID: 1779053). Advanced modeling of protein sequence and biophysical properties (such as structural, functional, and spatial information, amino acid conservation, physicochemical variation, residue mobility, and thermodynamic stability) performed at Invitae indicates that this missense variant is expected to disrupt MET protein function with a positive predictive value of 80%. In summary, the available evidence is currently insufficient to determine the role of this variant in disease. Therefore, it has been classified as a Variant of Uncertain Significance.